The following is an entry in ClinVar:

ClinVar aggregate classification (germline): Uncertain significance (1 of 4 stars; one submission).

Conditions:
Inborn genetic diseases. Identifiers: MedGen C0950123, MeSH D030342.

Submission:

Ambry Genetics
Classification: Uncertain significance for Inborn genetic diseases. Last evaluated: 2026-05-16. Review status: criteria provided, single submitter. Criteria: Ambry Variant Classification Scheme 2023. Collection method: clinical testing. Allele origin: germline.
Comment: The p.D140N variant (also known as c.418G>A), located in coding exon 3 of the MBD4 gene, results from a G to A substitution at nucleotide position 418. The aspartic acid at codon 140 is replaced by asparagine, an amino acid with highly similar properties. This amino acid position is conserved. In addition, the in silico prediction for this alteration is inconclusive. Based on the available evidence, the clinical significance of this variant remains unclear.

NM_001276270.2(MBD4):c.418G>A (p.Asp140Asn)

Gene: MBD4 (methyl-CpG binding domain 4, DNA glycosylase; minus strand). Cytogenetic location: 3q21.3.
Variant type: single nucleotide variant.
Coding change: c.418G>A on transcript NM_001276270.2 (MANE Select); coding-DNA position 418, G replaced by A.
Protein change: p.Asp140Asn; replaces aspartic acid 140 with asparagine.
Molecular consequence: missense variant. On other transcripts: intron variant (1).
Genome position (GRCh38, 1-based): chr3:129,437,226, C>T on the plus strand (G>A on the coding strand, the complement: MBD4 is on the minus strand). VCF-style: chr3-129437226-C-T. GRCh37 (hg19) VCF-style: chr3-129156069-C-T.
Other names: c.418G>A, p.Asp140Asn (NM_001276271.2, NM_001276272.2, NM_003925.3); c.247+582G>A (NM_001276273.2); short protein forms D140N.
Identifiers: ClinVar variation 4859607 (VCV004859607.1).
Genomic context (GRCh38, chr3:129,437,226, plus strand): 5'-TGCTGCAGTCTTTATATCTTGACTTGATACCCCTTTTAGAAAGTACAGTAAAATCAAAAT[C>T]TTCTGGCTTAAGAGAAGTCTCTCCATTTTTGTGAAGATAATTAGCAAGTGAACTTTTGGA-3'
Protein context (NP_001263199.1, residues 130-150): KNGETSLKPE[Asp140Asn]FDFTVLSKRG